The following is an entry in ClinVar:

ClinVar aggregate classification (germline): Uncertain significance (1 of 4 stars; one submission).

Allele frequency attached by ClinVar (database versions not stated): gnomAD exomes below 0.00001 and 0.00001; ExAC 0.00001; ESP Exome Variant Server 0.00008.
gnomAD v4.1: 6 of 1,614,206 alleles (0.00037%); highest among the groups gnomAD compares: Non-Finnish European, 0.00042%; no homozygotes.

Submission:

GeneDx
Classification: Uncertain significance. Last evaluated: 2022-11-16. Review status: criteria provided, single submitter. Criteria: GeneDx Variant Classification Process June 2021. Collection method: clinical testing. Allele origin: germline. Affected: yes.
Comment: In silico analysis supports that this missense variant does not alter protein structure/function; Has not been previously published as pathogenic or benign to our knowledge; This variant is associated with the following publications: (PMID: 8616895)

NM_004380.3(CREBBP):c.244A>G (p.Ile82Val)

Gene: CREBBP (CREB binding protein; minus strand). Cytogenetic location: 16p13.3.
Variant type: single nucleotide variant.
Coding change: c.244A>G on transcript NM_004380.3 (MANE Select); coding-DNA position 244, A replaced by G.
Protein change: p.Ile82Val; replaces isoleucine 82 with valine.
Molecular consequence: missense variant.
Genome position (GRCh38, 1-based): chr16:3,850,851, T>C on the plus strand (A>G on the coding strand, the complement: CREBBP is on the minus strand). VCF-style: chr16-3850851-T-C. GRCh37 (hg19) VCF-style: chr16-3900852-T-C.
Other names: c.244A>G, p.Ile82Val (NM_001079846.1); short protein forms I82V.
Identifiers: ClinVar variation 1306339 (VCV001306339.4), dbSNP rs374701416, ClinGen allele CA7870717.